The following is an entry in ClinVar:

ClinVar aggregate classification (germline): Uncertain significance. Review status: criteria provided, multiple submitters, no conflicts (2 of 4 stars). 3 submissions from 3 submitters: Uncertain significance (3). Last evaluated 2023-12-11.

Conditions:
Wolcott-Rallison dysplasia. Also called: MED-IDDM SYNDROME; Wolcott-Rallison syndrome. Identifiers: Orphanet 1667, MedGen C0432217, MONDO:0009192, OMIM 226980.

Allele frequency attached by ClinVar (database versions not stated): gnomAD 0.00001; TOPMed 0.00002; ExAC 0.00003; gnomAD exomes 0.00003 and 0.00004.
gnomAD v4.1: 35 of 1,462,458 alleles (0.0024%); highest among the groups gnomAD compares: Middle Eastern, 0.04%; no homozygotes.

Submissions (3):

Labcorp Genetics (formerly Invitae), Labcorp
Classification: Uncertain significance. Last evaluated: 2023-12-11. Review status: criteria provided, single submitter. Criteria: Invitae Variant Classification Sherloc (09022015). Collection method: clinical testing. Allele origin: germline.
Comment: This sequence change replaces serine, which is neutral and polar, with tyrosine, which is neutral and polar, at codon 437 of the EIF2AK3 protein (p.Ser437Tyr). This variant is present in population databases (rs200574679, gnomAD 0.006%). This variant has not been reported in the literature in individuals affected with EIF2AK3-related conditions. ClinVar contains an entry for this variant (Variation ID: 897492). An algorithm developed to predict the effect of missense changes on protein structure and function (PolyPhen-2) suggests that this variant is likely to be disruptive. In summary, the available evidence is currently insufficient to determine the role of this variant in disease. Therefore, it has been classified as a Variant of Uncertain Significance.

Fulgent Genetics
Classification: Uncertain significance for Wolcott-Rallison dysplasia. Last evaluated: 2022-04-10. Review status: criteria provided, single submitter. Criteria: ACMG Guidelines, 2015. Collection method: clinical testing. Allele origin: unknown.

Illumina Laboratory Services, Illumina
Classification: Uncertain significance for Wolcott-Rallison dysplasia. Last evaluated: 2018-01-13. Review status: criteria provided, single submitter. Criteria: ICSL Variant Classification Criteria 13 December 2019. Collection method: clinical testing. Allele origin: germline.

NM_004836.7(EIF2AK3):c.1310C>A (p.Ser437Tyr)

Gene: EIF2AK3 (eukaryotic translation initiation factor 2 alpha kinase 3; minus strand). Cytogenetic location: 2p11.2.
Variant type: single nucleotide variant.
Coding change: c.1310C>A on transcript NM_004836.7 (MANE Select); coding-DNA position 1310, C replaced by A.
Protein change: p.Ser437Tyr; replaces serine 437 with tyrosine.
Molecular consequence: missense variant.
Genome position (GRCh38, 1-based): chr2:88,588,101, G>T on the plus strand (C>A on the coding strand, the complement: EIF2AK3 is on the minus strand). VCF-style: chr2-88588101-G-T. GRCh37 (hg19) VCF-style: chr2-88887619-G-T.
Other names: c.857C>A, p.Ser286Tyr (NM_001313915.2); short protein forms S286Y, S437Y.
Identifiers: ClinVar variation 897492 (VCV000897492.10), dbSNP rs200574679, ClinGen allele CA1754717.